The following is an entry in ClinVar:

NM_007294.4(BRCA1):c.1132A>G (p.Ser378Gly)

Gene: BRCA1 (BRCA1 DNA repair associated; minus strand). Cytogenetic location: 17q21.31.
Variant type: single nucleotide variant.
Coding change: c.1132A>G on transcript NM_007294.4 (MANE Select); coding-DNA position 1132, A replaced by G.
Protein change: p.Ser378Gly; replaces serine 378 with glycine.
Molecular consequence: missense variant. On other transcripts: intron variant (137).
Genome position (GRCh38, 1-based): chr17:43,094,399, T>C on the plus strand (A>G on the coding strand, the complement: BRCA1 is on the minus strand). VCF-style: chr17-43094399-T-C. GRCh37 (hg19) VCF-style: chr17-41246416-T-C.
Other names: c.1129A>G, p.Ser377Gly (NM_001407587.1, NM_001407590.1, NM_001407591.1 and 22 more transcripts); c.1132A>G, p.Ser378Gly (NM_001407593.1, NM_001407594.1, NM_001407596.1 and 30 more transcripts); c.1123A>G, p.Ser375Gly (NM_001407646.1, NM_001407647.1); c.1009A>G, p.Ser337Gly (NM_001407648.1, NM_001407664.1, NM_001407665.1 and 19 more transcripts); c.1006A>G, p.Ser336Gly (NM_001407649.1, NM_001407670.1, NM_001407671.1 and 11 more transcripts); c.1054A>G, p.Ser352Gly (NM_001407653.1, NM_001407654.1, NM_001407655.1 and 4 more transcripts); c.1051A>G, p.Ser351Gly (NM_001407659.1, NM_001407660.1, NM_001407661.1 and 1 more transcripts); c.919A>G, p.Ser307Gly (NM_001407571.1, NM_001407853.1, NM_001407894.1 and 9 more transcripts); and 40 more; short protein forms S378G, S331G, S210G, S266G, S290G, S336G, S337G, S351G.
Identifiers: ClinVar variation 479258 (VCV000479258.28), dbSNP rs1555592404, ClinGen allele CA10599793.

ClinVar aggregate classification (germline): Conflicting classifications of pathogenicity. Review status: criteria provided, conflicting classifications (1 of 4 stars). 4 submissions from 4 submitters: Uncertain significance (3); Likely benign (1). Last evaluated 2024-10-16.

Conditions:
Hereditary breast ovarian cancer syndrome. Also called: Hereditary breast and ovarian cancer syndrome (HBOC); Hereditary breast and ovarian cancer syndrome; Breast and ovarian cancer; BRCA1- and BRCA2-Associated Hereditary Breast and Ovarian Cancer; Hereditary breast and ovarian cancer; Hereditary breast and/or ovarian cancer syndrome. Identifiers: Orphanet 145, MedGen C0677776, MeSH D061325, MONDO:0003582. Disease mechanism: loss of function.
Hereditary cancer-predisposing syndrome. Also called: Neoplastic Syndromes, Hereditary; Hereditary Cancer Syndrome; Hereditary neoplastic syndrome; Tumor predisposition. Identifiers: Orphanet 140162, MedGen C0027672, MeSH D009386, MONDO:0015356.

Submissions (4):

Labcorp Genetics (formerly Invitae), Labcorp
Classification: Uncertain significance for Hereditary breast ovarian cancer syndrome. Last evaluated: 2024-10-16. Review status: criteria provided, single submitter. Criteria: Invitae Variant Classification Sherloc (09022015). Collection method: clinical testing. Allele origin: germline.
Comment: This sequence change replaces serine, which is neutral and polar, with glycine, which is neutral and non-polar, at codon 378 of the BRCA1 protein (p.Ser378Gly). This variant is not present in population databases (gnomAD no frequency). This variant has not been reported in the literature in individuals affected with BRCA1-related conditions. ClinVar contains an entry for this variant (Variation ID: 479258). Invitae Evidence Modeling of protein sequence and biophysical properties (such as structural, functional, and spatial information, amino acid conservation, physicochemical variation, residue mobility, and thermodynamic stability) indicates that this missense variant is expected to disrupt BRCA1 protein function with a positive predictive value of 80%. In summary, the available evidence is currently insufficient to determine the role of this variant in disease. Therefore, it has been classified as a Variant of Uncertain Significance.

University of Washington Department of Laboratory Medicine, University of Washington
Classification: Likely benign for Hereditary cancer-predisposing syndrome. Last evaluated: 2023-03-23. Review status: criteria provided, single submitter. Criteria: Dines et al. (Genet Med. 2020). Collection method: curation. Allele origin: germline.
Comment: Missense variant in a coldspot region where missense variants are very unlikely to be pathogenic (PMID:31911673).

BRCA1 coldspot (exon 11 using historical exon numbering). Reclassification based on statistical prior probability

Color Diagnostics, LLC DBA Color Health
Classification: Uncertain significance for Hereditary cancer-predisposing syndrome. Last evaluated: 2019-03-14. Review status: criteria provided, single submitter. Criteria: ACMG Guidelines, 2015. Collection method: clinical testing. Allele origin: germline.

Ambry Genetics
Classification: Uncertain significance for Hereditary cancer-predisposing syndrome. Last evaluated: 2017-04-24. Review status: criteria provided, single submitter. Criteria: Ambry Variant Classification Scheme 2023. Collection method: clinical testing. Allele origin: germline.
Comment: The p.S378G variant (also known as c.1132A>G), located in coding exon 9 of the BRCA1 gene, results from an A to G substitution at nucleotide position 1132. The serine at codon 378 is replaced by glycine, an amino acid with similar properties. This amino acid position is highly conserved in available vertebrate species. In addition, this alteration is predicted to be deleterious by in silico analysis. Since supporting evidence is limited at this time, the clinical significance of this alteration remains unclear.